The following is an entry in ClinVar:

NM_001145536.2(C17orf107):c.342C>T (p.Asp114=)

Genes: C17orf107 (chromosome 17 open reading frame 107; plus strand), CHRNE (cholinergic receptor nicotinic epsilon subunit; minus strand). Cytogenetic location: 17p13.2.
Variant type: single nucleotide variant.
Coding change: c.342C>T on transcript NM_001145536.2 (MANE Select); coding-DNA position 342, C replaced by T.
Protein change: p.Asp114=; no amino-acid change (aspartic acid 114 retained).
Molecular consequence: synonymous variant. On other transcripts: intron variant (1).
Genome position (GRCh38, 1-based): chr17:4,900,302, C>T. VCF-style: chr17-4900302-C-T. GRCh37 (hg19) VCF-style: chr17-4803597-C-T.
Other names: c.917+491G>A (NM_000080.4).
Identifiers: ClinVar variation 1701303 (VCV001701303.31), dbSNP rs141527391, ClinGen allele CA8314170.

ClinVar aggregate classification (germline): Likely benign (1 of 4 stars; one submission).

Allele frequency attached by ClinVar (database versions not stated): 1000 Genomes Project 0.00160.
gnomAD v4.1: 471 of 1,545,256 alleles (0.03%); highest among the groups gnomAD compares: African/African-American, 0.58%; 1 homozygote.

Submission:

CeGaT Center for Human Genetics Tuebingen
Classification: Likely benign. Last evaluated: 2022-07-01. Review status: criteria provided, single submitter. Criteria: CeGaT Center For Human Genetics Tuebingen Variant Classification Criteria Version 2. Collection method: clinical testing. Allele origin: germline. Affected: yes. Observed: 1 variant allele.
Comment: C17orf107: BP4, BP7